The following is an entry in ClinVar:

NM_176824.3(BBS7):c.2086C>G (p.Leu696Val)

Gene: BBS7 (Bardet-Biedl syndrome 7; minus strand). Cytogenetic location: 4q27.
Variant type: single nucleotide variant.
Coding change: c.2086C>G on transcript NM_176824.3 (MANE Select); coding-DNA position 2086, C replaced by G.
Protein change: p.Leu696Val; replaces leucine 696 with valine.
Molecular consequence: missense variant.
Genome position (GRCh38, 1-based): chr4:121,825,922, G>C on the plus strand (C>G on the coding strand, the complement: BBS7 is on the minus strand). VCF-style: chr4-121825922-G-C. GRCh37 (hg19) VCF-style: chr4-122747077-G-C.
Other names: short protein forms L696V.
Identifiers: ClinVar variation 3351118 (VCV003351118.1).
Genomic context (GRCh38, chr4:121,825,922, plus strand): 5'-ATGCTGCATCGAAGAATGAAATCAATGCATTTTGGTCATAACTGTCCAGAATTTCCAATA[G>C]AAGGGGTACTTTAGTTTTTACATTGGTGCCTTTAAACTTAAATTTATCTATGAAAAGATC-3'
Protein context (NP_789794.1, residues 686-706): GTNVKTKVPL[Leu696Val]LEILDSYDQN

ClinVar aggregate classification (germline): Uncertain significance (0 of 4 stars; one submission).

Conditions:
BBS7-related disorder. Also called: BBS7-related condition.

Submission:

PreventionGenetics, part of Exact Sciences
Classification: Uncertain significance for BBS7-related condition. Last evaluated: 2024-05-29. Review status: no assertion criteria provided. Collection method: clinical testing. Allele origin: germline.
Comment: The BBS7 c.2086C>G variant is predicted to result in the amino acid substitution p.Leu696Val. To our knowledge, this variant has not been reported in the literature or in a large population database, indicating this variant is rare. At this time, the clinical significance of this variant is uncertain due to the absence of conclusive functional and genetic evidence.